The following is an entry in ClinVar:

ClinVar aggregate classification (germline): Uncertain significance (1 of 4 stars; one submission).

Conditions:
LEPR-related disorder. Also called: LEPR-related condition; LEPR-related disorders.

gnomAD v4.1: 1 of 1,613,734 alleles (0.000062%); highest among the groups gnomAD compares: Non-Finnish European, 0.000085%; no homozygotes.

Submission:

PreventionGenetics, part of Exact Sciences
Classification: Uncertain significance for LEPR-related condition. Last evaluated: 2026-05-02. Review status: criteria provided, single submitter. Criteria: ACMG Guidelines, 2015. Collection method: clinical testing. Allele origin: germline.
Comment: The LEPR c.1354A>T variant is predicted to result in the amino acid substitution p.Ser452Cys. To our knowledge, this variant has not been reported in the literature or in a large population database (gnomAD), indicating this variant is rare. At this time, the clinical significance of this variant is uncertain due to the absence of conclusive functional and genetic evidence.

NM_002303.6(LEPR):c.1354A>T (p.Ser452Cys)

Gene: LEPR (leptin receptor; plus strand). Cytogenetic location: 1p31.3.
Variant type: single nucleotide variant.
Coding change: c.1354A>T on transcript NM_002303.6 (MANE Select); coding-DNA position 1354, A replaced by T.
Protein change: p.Ser452Cys; replaces serine 452 with cysteine.
Molecular consequence: missense variant.
Genome position (GRCh38, 1-based): chr1:65,601,911, A>T. VCF-style: chr1-65601911-A-T. GRCh37 (hg19) VCF-style: chr1-66067594-A-T.
Other names: c.1354A>T, p.Ser452Cys (NM_001003679.3, NM_001003680.3, NM_001198687.2 and 2 more transcripts); short protein forms S452C.
Identifiers: ClinVar variation 4991284 (VCV004991284.1).